The following is an entry in ClinVar:

NM_000094.4(COL7A1):c.1507+1G>C

Gene: COL7A1 (collagen type VII alpha 1 chain; minus strand). Cytogenetic location: 3p21.31.
Variant type: single nucleotide variant.
Coding change: c.1507+1G>C on transcript NM_000094.4 (MANE Select); the canonical splice donor site of the intron after coding-DNA position 1507, G replaced by C.
Molecular consequence: splice donor variant.
Genome position (GRCh38, 1-based): chr3:48,591,672, C>G on the plus strand (G>C on the coding strand, the complement: COL7A1 is on the minus strand). VCF-style: chr3-48591672-C-G. GRCh37 (hg19) VCF-style: chr3-48629105-C-G.
Identifiers: ClinVar variation 4997524 (VCV004997524.1).

ClinVar aggregate classification (germline): Pathogenic (1 of 4 stars; one submission).

Conditions:
COL7A1-related disorder. Also called: COL7A1-related condition; COL7A1- related disorders.

Submission:

PreventionGenetics, part of Exact Sciences
Classification: Pathogenic for COL7A1-related condition. Last evaluated: 2025-05-27. Review status: criteria provided, single submitter. Criteria: ACMG Guidelines, 2015. Collection method: clinical testing. Allele origin: germline.
Comment: The COL7A1 c.1507+1G>C variant is predicted to disrupt the GT donor site and interfere with normal splicing. This variant was reported in the homozygous state in an individual with epidermolysis bullosa dystrophica (Appendix I, Varki et al. 2007. PubMed ID: 16971478). This variant has not been reported in a large population database (gnomAD), indicating this variant is rare. Variants that disrupt the consensus splice donor site in COL7A1 are expected to be pathogenic. This variant is interpreted as pathogenic.